The following is an entry in ClinVar:

ClinVar aggregate classification (germline): Uncertain significance (1 of 4 stars; one submission).

gnomAD v4.1: 5 of 1,610,838 alleles (0.00031%); highest among the groups gnomAD compares: East Asian, 0.011%; no homozygotes.

Submission:

Labcorp Genetics (formerly Invitae), Labcorp
Classification: Uncertain significance. Last evaluated: 2024-05-16. Review status: criteria provided, single submitter. Criteria: Invitae Variant Classification Sherloc (09022015). Collection method: clinical testing. Allele origin: germline.
Comment: This sequence change replaces threonine, which is neutral and polar, with isoleucine, which is neutral and non-polar, at codon 142 of the SLC12A6 protein (p.Thr142Ile). This variant is not present in population databases (gnomAD no frequency). This variant has not been reported in the literature in individuals affected with SLC12A6-related conditions. Advanced modeling of protein sequence and biophysical properties (such as structural, functional, and spatial information, amino acid conservation, physicochemical variation, residue mobility, and thermodynamic stability) performed at Invitae indicates that this missense variant is not expected to disrupt SLC12A6 protein function with a negative predictive value of 80%. In summary, the available evidence is currently insufficient to determine the role of this variant in disease. Therefore, it has been classified as a Variant of Uncertain Significance.

NM_001365088.1(SLC12A6):c.425C>T (p.Thr142Ile)

Gene: SLC12A6 (solute carrier family 12 member 6; minus strand). Cytogenetic location: 15q14.
Variant type: single nucleotide variant.
Coding change: c.425C>T on transcript NM_001365088.1 (MANE Select); coding-DNA position 425, C replaced by T.
Protein change: p.Thr142Ile; replaces threonine 142 with isoleucine.
Molecular consequence: missense variant.
Genome position (GRCh38, 1-based): chr15:34,258,931, G>A on the plus strand (C>T on the coding strand, the complement: SLC12A6 is on the minus strand). VCF-style: chr15-34258931-G-A. GRCh37 (hg19) VCF-style: chr15-34551132-G-A.
Other names: c.248C>T, p.Thr83Ile (NM_001042494.2, NM_001042495.2); c.398C>T, p.Thr133Ile (NM_001042496.2); c.380C>T, p.Thr127Ile (NM_001042497.2); c.272C>T, p.Thr91Ile (NM_005135.2); c.425C>T, p.Thr142Ile (NM_133647.2); short protein forms T127I, T142I, T133I, T83I, T91I.
Identifiers: ClinVar variation 3671030 (VCV003671030.2).